The following is an entry in ClinVar:

ClinVar aggregate classification (germline): Uncertain significance (1 of 4 stars; one submission).

Submission:

Labcorp Genetics (formerly Invitae), Labcorp
Classification: Uncertain significance. Last evaluated: 2022-09-19. Review status: criteria provided, single submitter. Criteria: Invitae Variant Classification Sherloc (09022015). Collection method: clinical testing. Allele origin: germline.
Comment: This sequence change falls in intron 12 of the FAM65B gene. It does not directly change the encoded amino acid sequence of the FAM65B protein. It affects a nucleotide within the consensus splice site. This variant is not present in population databases (gnomAD no frequency). This variant has not been reported in the literature in individuals affected with FAM65B-related conditions. Variants that disrupt the consensus splice site are a relatively common cause of aberrant splicing (PMID: 17576681, 9536098). Algorithms developed to predict the effect of sequence changes on RNA splicing suggest that this variant may disrupt the consensus splice site. In summary, the available evidence is currently insufficient to determine the role of this variant in disease. Therefore, it has been classified as a Variant of Uncertain Significance.

Literature cited by the submitters: PubMed 17576681; PubMed 9536098.

NM_001286445.3(RIPOR2):c.1164+6T>G

Gene: RIPOR2 (RHO family interacting cell polarization regulator 2; minus strand). Cytogenetic location: 6p22.3.
Variant type: single nucleotide variant.
Coding change: c.1164+6T>G on transcript NM_001286445.3 (MANE Select); 6 bases into the intron after coding-DNA position 1164, T replaced by G.
Molecular consequence: intron variant.
Genome position (GRCh38, 1-based): chr6:24,848,019, A>C on the plus strand (T>G on the coding strand, the complement: RIPOR2 is on the minus strand). VCF-style: chr6-24848019-A-C. GRCh37 (hg19) VCF-style: chr6-24848247-A-C.
Other names: c.1077+6T>G (NM_001346031.2, NM_014722.5, NM_001346032.2 and 2 more transcripts); c.1179+6T>G (NM_001286446.3).
Identifiers: ClinVar variation 2031340 (VCV002031340.4), dbSNP rs2532738894, ClinGen allele CA2580074253.